The following is an entry in ClinVar:

ClinVar aggregate classification (germline): Uncertain significance (1 of 4 stars; one submission).

Conditions:
Cockayne spectrum with or without cerebrooculofacioskeletal syndrome. Identifiers: MedGen CN315928, MONDO:0100506.

gnomAD v4.1: 3 of 1,614,080 alleles (0.00019%); highest among the groups gnomAD compares: African/African-American, 0.004%; no homozygotes.

Submission:

Myriad Genetics, Inc.
Classification: Uncertain significance for Cockayne spectrum with or without cerebrooculofacioskeletal syndrome. Last evaluated: 2026-04-03. Review status: criteria provided, single submitter. Criteria: Myriad Autosomal Dominant, Autosomal Recessive and X-Linked Classification Criteria (2023). Collection method: clinical testing. Allele origin: unknown.
Comment: NM_000124.2(ERCC6):c.1767G>T(W589C) is a missense variant classified as a variant of uncertain significance in the context of ERCC6-related disorders. W589C has not been observed in cases with relevant disease. Relevant functional assessments of this variant are not available in the literature. W589C has not been observed in referenced population frequency databases. In summary, there is insufficient evidence to classify NM_000124.2(ERCC6):c.1767G>T(W589C) as pathogenic or benign. Please note: this variant was assessed in the context of healthy population screening.

NM_000124.4(ERCC6):c.1767G>T (p.Trp589Cys)

Gene: ERCC6 (ERCC excision repair 6, chromatin remodeling factor; minus strand). Cytogenetic location: 10q11.23.
Variant type: single nucleotide variant.
Coding change: c.1767G>T on transcript NM_000124.4 (MANE Select); coding-DNA position 1767, G replaced by T.
Protein change: p.Trp589Cys; replaces tryptophan 589 with cysteine.
Molecular consequence: missense variant.
Genome position (GRCh38, 1-based): chr10:49,493,171, C>A on the plus strand (G>T on the coding strand, the complement: ERCC6 is on the minus strand). VCF-style: chr10-49493171-C-A. GRCh37 (hg19) VCF-style: chr10-50701217-C-A.
Other names: c.1767G>T, p.Trp589Cys (NM_001346440.2); short protein forms W589C.
Identifiers: ClinVar variation 5003438 (VCV005003438.1).